The following is an entry in ClinVar:

ClinVar aggregate classification (germline): Likely pathogenic (1 of 4 stars; one submission).

Conditions:
Hereditary factor VIII deficiency disease (HEMA). Also called: HEMOPHILIA, CLASSIC; AUTOSOMAL HEMOPHILIA A; Hemophilia A; Hemophilia A, congenital; HEM A; Factor 8 deficiency, congenital. Identifiers: Orphanet 98878, MedGen C0019069, MONDO:0010602, OMIM 306700.

Allele frequency attached by ClinVar (database versions not stated): TOPMed 0.00001.

Submission:

ARUP Laboratories, Molecular Genetics and Genomics, ARUP Laboratories
Classification: Likely pathogenic for Hereditary factor VIII deficiency disease. Last evaluated: 2022-01-05. Review status: criteria provided, single submitter. Criteria: ARUP Molecular Germline Variant Investigation Process 2021. Collection method: clinical testing. Allele origin: germline.
Comment: The F8 c.853G>A; p.Val285Met variant (rs2073444412), also known as Val266Met, is reported in the literature in individuals with mild hemophilia A (Johnsen 2017, Rosset 2013). Additionally, other variants at this codon (p.Val285Ala, p.Val285Gly) are also reported in individuals with hemophilia A (Fernandez-Lopez 2005, Higuchi 1991). The p.Val285Met variant is absent from the Genome Aggregation Database, indicating it is not a common polymorphism. The valine at codon 285 is moderately conserved, and computational analyses predict that this variant is deleterious (REVEL: 0.769). Based on available information, this variant is considered to be likely pathogenic. References: Fernandez-Lopez O et al. The spectrum of mutations in Southern Spanish patients with hemophilia A and identification of 28 novel mutations. Haematologica. 2005 May;90(5):707-10. PMID: 15921397. Higuchi M et al. Molecular characterization of severe hemophilia A suggests that about half the mutations are not within the coding regions and splice junctions of the factor VIII gene. Proc Natl Acad Sci U S A. 1991 Aug 15;88(16):7405-9. PMID: 1908096. Johnsen JM et al. Novel approach to genetic analysis and results in 3000 hemophilia patients enrolled in the My Life, Our Future initiative. Blood Adv. 2017 May 18;1(13):824-834. PMID: 29296726. Rosset C et al. Detection of new mutations and molecular pathology of mild and moderate haemophilia A patients from southern Brazil. Haemophilia. 2013 Sep;19(5):773-81. PMID: 23711237.

NM_000132.4(F8):c.853G>A (p.Val285Met)

Gene: F8 (coagulation factor VIII; minus strand). Cytogenetic location: Xq28.
Variant type: single nucleotide variant.
Coding change: c.853G>A on transcript NM_000132.4 (MANE Select); coding-DNA position 853, G replaced by A.
Protein change: p.Val285Met; replaces valine 285 with methionine.
Molecular consequence: missense variant.
Genome position (GRCh38, 1-based): chrX:154,969,487, C>T on the plus strand (G>A on the coding strand, the complement: F8 is on the minus strand). VCF-style: chrX-154969487-C-T. GRCh37 (hg19) VCF-style: chrX-154197762-C-T.
Other names: short protein forms V285M.
Identifiers: ClinVar variation 1679449 (VCV001679449.7), dbSNP rs2073444412, ClinGen allele CA414918207.